The following is an entry in ClinVar:

ClinVar aggregate classification (germline): Benign/Likely benign. Review status: criteria provided, multiple submitters, no conflicts (2 of 4 stars). 4 submissions from 4 submitters: Benign (2); Likely benign (1). 1 of the submissions does not count toward it. Last evaluated 2024-10-08.

Conditions:
CAT-related disorder. Also called: CAT-related condition.

Allele frequency attached by ClinVar (database versions not stated): gnomAD exomes 0.00029 and 0.00064; ExAC 0.00086; gnomAD 0.00265 and 0.00272; TOPMed 0.00273; ESP Exome Variant Server 0.00292; 1000 Genomes Project 0.00359; 1000 Genomes Project 30x 0.00422.
gnomAD v4.1: 846 of 1,614,206 alleles (0.052%); highest among the groups gnomAD compares: African/African-American, 0.88%; 3 homozygotes.

Submissions (4):

Blueprint Genetics
Classification: Likely benign. Last evaluated: 2024-10-08. Review status: criteria provided, single submitter. Criteria: ACMG Guidelines, 2015. Collection method: clinical testing. Allele origin: germline.

Labcorp Genetics (formerly Invitae), Labcorp
Classification: Benign. Last evaluated: 2019-12-31. Review status: criteria provided, single submitter. Criteria: Invitae Variant Classification Sherloc (09022015). Collection method: clinical testing. Allele origin: germline.

Breakthrough Genomics
Classification: Benign. Review status: criteria provided, single submitter. Criteria: ACMG Guidelines, 2015. Collection method: not provided. Allele origin: germline. Inheritance: Unknown mechanism. Affected: yes.

PreventionGenetics, part of Exact Sciences
Classification: Benign for CAT-related condition. Last evaluated: 2019-04-29. Review status: no assertion criteria provided. Collection method: clinical testing. Allele origin: germline. Not counted in ClinVar's aggregate classification.
Comment: This variant is classified as benign based on ACMG/AMP sequence variant interpretation guidelines (Richards et al. 2015 PMID: 25741868, with internal and published modifications).

NM_001752.4(CAT):c.1476C>T (p.His492=)

Gene: CAT (catalase; plus strand). Cytogenetic location: 11p13.
Variant type: single nucleotide variant.
Coding change: c.1476C>T on transcript NM_001752.4 (MANE Select); coding-DNA position 1476, C replaced by T.
Protein change: p.His492=; no amino-acid change (histidine 492 retained).
Molecular consequence: synonymous variant.
Genome position (GRCh38, 1-based): chr11:34,470,999, C>T. VCF-style: chr11-34470999-C-T. GRCh37 (hg19) VCF-style: chr11-34492546-C-T.
Identifiers: ClinVar variation 785345 (VCV000785345.8), dbSNP rs17880442, ClinGen allele CA5944659.
Genomic context (GRCh38, chr11:34,470,999, plus strand): 5'-TATTTTCCTTTGGCCTTAGGTCAAGAACTTCACTGAGGTCCACCCTGACTACGGGAGCCA[C>T]ATCCAGGCTCTTCTGGACAAGTACAATGCTGAGAAGCCTAAGGTAAGCTGGGAGCAGCCT-3'
Protein context (NP_001743.1, residues 482-502): FTEVHPDYGS[His492=]IQALLDKYNA